The following is an entry in ClinVar:

ClinVar aggregate classification (germline): Uncertain significance. Review status: criteria provided, multiple submitters, no conflicts (2 of 4 stars). 2 submissions from 2 submitters: Uncertain significance (2). Last evaluated 2025-05-16.

Conditions:
Inborn genetic diseases. Identifiers: MedGen C0950123, MeSH D030342.
MHC class I deficiency. Identifiers: Orphanet 34592, MedGen C6024714, MONDO:0011476.

Allele frequency attached by ClinVar (database versions not stated): TOPMed 0.00005; ExAC 0.00003; gnomAD 0.00004 and 0.00003; gnomAD exomes 0.00001.
gnomAD v4.1: 11 of 1,612,788 alleles (0.00068%); highest among the groups gnomAD compares: African/African-American, 0.013%; no homozygotes.

Submissions (2):

Ambry Genetics
Classification: Uncertain significance for Inborn genetic diseases. Last evaluated: 2025-05-16. Review status: criteria provided, single submitter. Criteria: Ambry Variant Classification Scheme 2023. Collection method: clinical testing. Allele origin: germline.

Labcorp Genetics (formerly Invitae), Labcorp
Classification: Uncertain significance for MHC class I deficiency 1. Last evaluated: 2021-08-13. Review status: criteria provided, single submitter. Criteria: Invitae Variant Classification Sherloc (09022015). Collection method: clinical testing. Allele origin: germline.
Comment: This sequence change replaces leucine with methionine at codon 713 of the TAP1 protein (p.Leu713Met). The leucine residue is moderately conserved and there is a small physicochemical difference between leucine and methionine. This variant is present in population databases (rs772090667, ExAC 0.03%). This variant has not been reported in the literature in individuals affected with TAP1-related conditions. Algorithms developed to predict the effect of missense changes on protein structure and function are either unavailable or do not agree on the potential impact of this missense change (SIFT: "Deleterious"; PolyPhen-2: "Probably Damaging"; Align-GVGD: "Class C0"). In summary, the available evidence is currently insufficient to determine the role of this variant in disease. Therefore, it has been classified as a Variant of Uncertain Significance.

NM_000593.6(TAP1):c.1957T>A (p.Leu653Met)

Gene: TAP1 (transporter 1, ATP binding cassette subfamily B member; minus strand). Cytogenetic location: 6p21.32.
Variant type: single nucleotide variant.
Coding change: c.1957T>A on transcript NM_000593.6 (MANE Select); coding-DNA position 1957, T replaced by A.
Protein change: p.Leu653Met; replaces leucine 653 with methionine.
Molecular consequence: missense variant.
Genome position (GRCh38, 1-based): chr6:32,847,151, A>T on the plus strand (T>A on the coding strand, the complement: TAP1 is on the minus strand). VCF-style: chr6-32847151-A-T. GRCh37 (hg19) VCF-style: chr6-32814928-A-T.
Other names: c.1354T>A, p.Leu452Met (NM_001292022.2); short protein forms L713M, L452M, L653M.
Identifiers: ClinVar variation 579634 (VCV000579634.7), dbSNP rs772090667, ClinGen allele CA3746629.